The following is an entry in ClinVar:

NM_000051.4(ATM):c.2441A>T (p.Asp814Val)

Gene: ATM (ATM serine/threonine kinase; plus strand). Cytogenetic location: 11q22.3.
Variant type: single nucleotide variant.
Coding change: c.2441A>T on transcript NM_000051.4 (MANE Select); coding-DNA position 2441, A replaced by T.
Protein change: p.Asp814Val; replaces aspartic acid 814 with valine.
Molecular consequence: missense variant.
Genome position (GRCh38, 1-based): chr11:108,259,050, A>T. VCF-style: chr11-108259050-A-T. GRCh37 (hg19) VCF-style: chr11-108129777-A-T.
Other names: c.2441A>T, p.Asp814Val (NM_001351834.2); short protein forms D814V.
Identifiers: ClinVar variation 570513 (VCV000570513.10), dbSNP rs1565400035, ClinGen allele CA382541330.

ClinVar aggregate classification (germline): Uncertain significance. Review status: criteria provided, multiple submitters, no conflicts (2 of 4 stars). 2 submissions from 2 submitters: Uncertain significance (2). Last evaluated 2022-07-12.

Conditions:
Hereditary cancer-predisposing syndrome. Also called: Hereditary neoplastic syndrome; Neoplastic Syndromes, Hereditary; Hereditary Cancer Syndrome; Tumor predisposition. Identifiers: Orphanet 140162, MedGen C0027672, MeSH D009386, MONDO:0015356.
Ataxia-telangiectasia syndrome (AT). Also called: AT, COMPLEMENTATION GROUP C; Cerebello-oculocutaneous telangiectasia; Immunodeficiency with ataxia telangiectasia; Ataxia-telangiectasia, complementation group D; ATAXIA-TELANGIECTASIA, FRESNO VARIANT; Ataxia-telangiectasia, complementation group E. Identifiers: Orphanet 100, MedGen C0004135, MONDO:0008840, OMIM 208900.

Submissions (2):

Ambry Genetics
Classification: Uncertain significance for Hereditary cancer-predisposing syndrome. Last evaluated: 2022-07-12. Review status: criteria provided, single submitter. Criteria: Ambry Variant Classification Scheme 2023. Collection method: clinical testing. Allele origin: germline.
Comment: The p.D814V variant (also known as c.2441A>T), located in coding exon 15 of the ATM gene, results from an A to T substitution at nucleotide position 2441. The aspartic acid at codon 814 is replaced by valine, an amino acid with highly dissimilar properties. This amino acid position is highly conserved in available vertebrate species. In addition, this alteration is predicted to be deleterious by in silico analysis. Since supporting evidence is limited at this time, the clinical significance of this alteration remains unclear.

Labcorp Genetics (formerly Invitae), Labcorp
Classification: Uncertain significance for Ataxia-telangiectasia syndrome. Last evaluated: 2022-07-05. Review status: criteria provided, single submitter. Criteria: Invitae Variant Classification Sherloc (09022015). Collection method: clinical testing. Allele origin: germline.
Comment: This sequence change replaces aspartic acid, which is acidic and polar, with valine, which is neutral and non-polar, at codon 814 of the ATM protein (p.Asp814Val). This variant is not present in population databases (gnomAD no frequency). This variant has not been reported in the literature in individuals affected with ATM-related conditions. ClinVar contains an entry for this variant (Variation ID: 570513). Advanced modeling of protein sequence and biophysical properties (such as structural, functional, and spatial information, amino acid conservation, physicochemical variation, residue mobility, and thermodynamic stability) performed at Invitae indicates that this missense variant is not expected to disrupt ATM protein function. In summary, the available evidence is currently insufficient to determine the role of this variant in disease. Therefore, it has been classified as a Variant of Uncertain Significance.